The following is an entry in ClinVar:

ClinVar aggregate classification (germline): Uncertain significance. Review status: criteria provided, multiple submitters, no conflicts (2 of 4 stars). 4 submissions from 4 submitters: Uncertain significance (4). Last evaluated 2025-09-17.

Conditions:
Hypertrophic cardiomyopathy 26. Also called: Cardiomyopathy, familial hypertrophic, 26. Identifiers: Orphanet 75249, MedGen C4310749, MONDO:0014883, OMIM 617047.
Distal myopathy with posterior leg and anterior hand involvement. Also called: WILLIAMS DISTAL MYOPATHY. Identifiers: Orphanet 63273, MedGen C3279722, MONDO:0013550, OMIM 614065.
Myofibrillar myopathy 5. Also called: FILAMINOPATHY, AUTOSOMAL DOMINANT; Filaminopathy (type). Identifiers: Orphanet 171445, MedGen C1836050, MONDO:0012289, OMIM 609524.
Cardiovascular phenotype. Identifiers: MedGen CN230736.

Submissions (4):

Ambry Genetics
Classification: Uncertain significance for Cardiovascular phenotype. Last evaluated: 2025-09-17. Review status: criteria provided, single submitter. Criteria: Ambry Variant Classification Scheme 2023. Collection method: clinical testing. Allele origin: germline.
Comment: The p.T2095S variant (also known as c.6283A>T), located in coding exon 38 of the FLNC gene, results from an A to T substitution at nucleotide position 6283. The threonine at codon 2095 is replaced by serine, an amino acid with similar properties. This amino acid position is conserved. In addition, the in silico prediction for this alteration is inconclusive. Since supporting evidence is limited at this time, the clinical significance of this alteration remains unclear.

GeneDx
Classification: Uncertain significance. Last evaluated: 2024-05-13. Review status: criteria provided, single submitter. Criteria: GeneDx Variant Classification Process June 2021. Collection method: clinical testing. Allele origin: germline. Affected: yes.
Comment: Has not been previously published as pathogenic or benign to our knowledge; Not observed at significant frequency in large population cohorts (gnomAD); In silico analysis supports that this missense variant has a deleterious effect on protein structure/function

Revvity Omics, Revvity
Classification: Uncertain significance. Last evaluated: 2023-12-08. Review status: criteria provided, single submitter. Criteria: ACMG Guidelines, 2015. Collection method: clinical testing. Allele origin: germline.

Labcorp Genetics (formerly Invitae), Labcorp
Classification: Uncertain significance for Distal myopathy with posterior leg and anterior hand involvement; Myofibrillar myopathy 5; Hypertrophic cardiomyopathy 26. Last evaluated: 2023-10-29. Review status: criteria provided, single submitter. Criteria: Invitae Variant Classification Sherloc (09022015). Collection method: clinical testing. Allele origin: germline.
Comment: This sequence change replaces threonine, which is neutral and polar, with serine, which is neutral and polar, at codon 2095 of the FLNC protein (p.Thr2095Ser). This variant is present in population databases (rs373022507, gnomAD 0.003%). This variant has not been reported in the literature in individuals affected with FLNC-related conditions. ClinVar contains an entry for this variant (Variation ID: 1015072). Advanced modeling of protein sequence and biophysical properties (such as structural, functional, and spatial information, amino acid conservation, physicochemical variation, residue mobility, and thermodynamic stability) has been performed at Invitae for this missense variant, however the output from this modeling did not meet the statistical confidence thresholds required to predict the impact of this variant on FLNC protein function. In summary, the available evidence is currently insufficient to determine the role of this variant in disease. Therefore, it has been classified as a Variant of Uncertain Significance.

NM_001458.5(FLNC):c.6283A>T (p.Thr2095Ser)

Genes: FLNC-AS1 (FLNC antisense RNA 1; minus strand), FLNC (filamin C; plus strand). Cytogenetic location: 7q32.1.
Variant type: single nucleotide variant.
Coding change: c.6283A>T on transcript NM_001458.5 (MANE Select); coding-DNA position 6283, A replaced by T.
Protein change: p.Thr2095Ser; replaces threonine 2095 with serine.
Molecular consequence: missense variant.
Genome position (GRCh38, 1-based): chr7:128,853,543, A>T. VCF-style: chr7-128853543-A-T. GRCh37 (hg19) VCF-style: chr7-128493597-A-T.
Other names: c.6184A>T, p.Thr2062Ser (NM_001127487.2); c.6283A>T (NM_001458.4); short protein forms T2062S, T2095S.
Identifiers: ClinVar variation 1015072 (VCV001015072.12), dbSNP rs373022507, ClinGen allele CA4475933.